The following is an entry in ClinVar:

ClinVar aggregate classification (germline): Uncertain significance. Review status: criteria provided, multiple submitters, no conflicts (2 of 4 stars). 4 submissions from 4 submitters: Uncertain significance (4). Last evaluated 2024-08-08.

Conditions:
Classic or attenuated familial adenomatous polyposis. Identifiers: MedGen CN372698, MONDO:0021057.
Hereditary cancer-predisposing syndrome. Also called: Tumor predisposition; Hereditary neoplastic syndrome; Hereditary Cancer Syndrome; Neoplastic Syndromes, Hereditary. Identifiers: Orphanet 140162, MedGen C0027672, MeSH D009386, MONDO:0015356.
Familial adenomatous polyposis 1 (FAP1). Also called: POLYPOSIS, ADENOMATOUS INTESTINAL; FAMILIAL ADENOMATOUS POLYPOSIS 1, ATTENUATED. Identifiers: MedGen C2713442, MONDO:0021056, OMIM 175100. Disease mechanism: loss of function.

gnomAD v4.1: 2 of 1,613,122 alleles (0.00012%); highest among the groups gnomAD compares: Admixed American, 0.0017%; no homozygotes.

Submissions (4):

Ambry Genetics
Classification: Uncertain significance for Hereditary cancer-predisposing syndrome. Last evaluated: 2024-08-08. Review status: criteria provided, single submitter. Criteria: Ambry Variant Classification Scheme 2023. Collection method: clinical testing. Allele origin: germline.
Comment: The p.E258K variant (also known as c.772G>A), located in coding exon 7 of the APC gene, results from a G to A substitution at nucleotide position 772. The glutamic acid at codon 258 is replaced by lysine, an amino acid with similar properties. This amino acid position is well conserved in available vertebrate species. In addition, in silico predictors for this gene do not accurately predict pathogenicity. Since supporting evidence is limited at this time, the clinical significance of this alteration remains unclear.

All of Us Research Program, National Institutes of Health
Classification: Uncertain significance for Classic or attenuated familial adenomatous polyposis. Last evaluated: 2023-02-24. Review status: criteria provided, single submitter. Criteria: ACMG Guidelines, 2015. Collection method: clinical testing. Allele origin: germline. Inheritance: Autosomal dominant inheritance. Observed: 1 variant allele, 1 heterozygote.
Comment: This missense variant replaces glutamic acid with lysine at codon 258 of the APC protein. Computational prediction suggests that this variant may not impact protein structure and function (internally defined REVEL score threshold <= 0.5, PMID: 27666373). To our knowledge, functional studies have not been reported for this variant. This variant has not been reported in individuals affected with APC-related disorders in the literature. This variant has not been identified in the general population by the Genome Aggregation Database (gnomAD). The available evidence is insufficient to determine the role of this variant in disease conclusively. Therefore, this variant is classified as a Variant of Uncertain Significance.

This study involves interpretation of variants in research participants for the purpose of population health screening. Participant phenotype was not available at the time of variant classification. Additional details can be found in publication PMID: 35346344, PMCID: PMC8962531

Color Diagnostics, LLC DBA Color Health
Classification: Uncertain significance for Hereditary cancer-predisposing syndrome. Last evaluated: 2023-01-26. Review status: criteria provided, single submitter. Criteria: ACMG Guidelines, 2015. Collection method: clinical testing. Allele origin: germline.
Comment: This missense variant replaces glutamic acid with lysine at codon 258 of the APC protein. Computational prediction suggests that this variant may not impact protein structure and function (internally defined REVEL score threshold <= 0.5, PMID: 27666373). To our knowledge, functional studies have not been reported for this variant. This variant has not been reported in individuals affected with APC-related disorders in the literature. This variant has not been identified in the general population by the Genome Aggregation Database (gnomAD). The available evidence is insufficient to determine the role of this variant in disease conclusively. Therefore, this variant is classified as a Variant of Uncertain Significance.

Labcorp Genetics (formerly Invitae), Labcorp
Classification: Uncertain significance for Familial adenomatous polyposis 1. Last evaluated: 2019-08-29. Review status: criteria provided, single submitter. Criteria: Invitae Variant Classification Sherloc (09022015). Collection method: clinical testing. Allele origin: germline.
Comment: In summary, the available evidence is currently insufficient to determine the role of this variant in disease. Therefore, it has been classified as a Variant of Uncertain Significance. Algorithms developed to predict the effect of missense changes on protein structure and function (SIFT, PolyPhen-2, Align-GVGD) all suggest that this variant is likely to be tolerated, but these predictions have not been confirmed by published functional studies and their clinical significance is uncertain. This variant has not been reported in the literature in individuals with APC-related conditions. This variant is not present in population databases (ExAC no frequency). This sequence change replaces glutamic acid with lysine at codon 258 of the APC protein (p.Glu258Lys). The glutamic acid residue is highly conserved and there is a small physicochemical difference between glutamic acid and lysine.

NM_000038.6(APC):c.772G>A (p.Glu258Lys)

Gene: APC (APC regulator of Wnt signaling pathway; plus strand). Cytogenetic location: 5q22.2.
Variant type: single nucleotide variant.
Coding change: c.772G>A on transcript NM_000038.6 (MANE Select); coding-DNA position 772, G replaced by A.
Protein change: p.Glu258Lys; replaces glutamic acid 258 with lysine.
Molecular consequence: missense variant. On other transcripts: 5 prime UTR variant (1).
Genome position (GRCh38, 1-based): chr5:112,801,321, G>A. VCF-style: chr5-112801321-G-A. GRCh37 (hg19) VCF-style: chr5-112137018-G-A.
Other names: c.772G>A, p.Glu258Lys (NM_001127510.3, NM_001354895.2, NM_001354896.2 and 1 more transcripts); c.718G>A, p.Glu240Lys (NM_001127511.3); c.802G>A, p.Glu268Lys (NM_001354897.2, NM_001354902.2); c.697G>A, p.Glu233Lys (NM_001354898.2, NM_001354904.2); c.688G>A, p.Glu230Lys (NM_001354899.2); c.595G>A, p.Glu199Lys (NM_001354900.2, NM_001354901.2, NM_001354905.2); c.-264G>A (NM_001354906.2); short protein forms E233K, E230K, E258K, E268K, E199K, E240K.
Identifiers: ClinVar variation 936350 (VCV000936350.18), dbSNP rs774604680, ClinGen allele CA16023019.